The following is an entry in ClinVar:

ClinVar aggregate classification (germline): Pathogenic. Review status: criteria provided, multiple submitters, no conflicts (2 of 4 stars). 3 submissions from 3 submitters: Pathogenic (2). 1 of the submissions does not count toward it. Last evaluated 2026-07-02.

Conditions:
Cone dystrophy with supernormal rod response (CDSRR). Also called: CONE DYSTROPHY WITH SUPERNORMAL ROD RESPONSES. Identifiers: Orphanet 209932, MedGen C1835897, MONDO:0012475, OMIM 610356.
cone dystrophy with supernormal rod electroretinogram.

Submissions (3):

Victorian Clinical Genetics Services, Murdoch Childrens Research Institute
Classification: Pathogenic for Cone dystrophy with supernormal rod response. Last evaluated: 2026-07-02. Review status: criteria provided, single submitter. Criteria: ACMG Guidelines, 2015. Collection method: clinical testing. Allele origin: germline. Affected: no.
Comment: This variant is classified as Pathogenic. Evidence in support of pathogenic classification: Variant is predicted to result in a truncated protein (premature termination codon is NOT located at least 54 nucleotides upstream of the final exon-exon junction) with at least 1/3 of the protein sequence affected; Variant is present in gnomAD <0.01 for a recessive condition (v4: 8 heterozygote(s), 0 homozygote(s)); This variant has strong previous evidence of pathogenicity in unrelated individuals. This variant has been classified as pathogenic by a clinical laboratory in ClinVar, and has been reported in at least four families with cone dystrophy with supernormal rod response (CDSRR) (PMIDs: 23725738, 29210963); Other protein truncating variant(s) comparable to the one identified in this case have very strong previous evidence for pathogenicity (DECIPHER). Additional information: This variant is heterozygous; This gene is associated with autosomal recessive disease; No published functional evidence has been identified for this variant; Loss of function is a known mechanism of disease in this gene and is associated with retinal cone dystrophy 3B (MIM#610356).

Labcorp Genetics (formerly Invitae), Labcorp
Classification: Pathogenic. Last evaluated: 2025-02-03. Review status: criteria provided, single submitter. Criteria: Invitae Variant Classification Sherloc (09022015). Collection method: clinical testing. Allele origin: germline.
Comment: This sequence change creates a premature translational stop signal (p.Ser333Alafs*122) in the KCNV2 gene. While this is not anticipated to result in nonsense mediated decay, it is expected to disrupt the last 213 amino acid(s) of the KCNV2 protein. This variant is present in population databases (no rsID available, gnomAD 0.002%). This premature translational stop signal has been observed in individuals with cone dystrophy (PMID: 23725738, 29210963). It has also been observed to segregate with disease in related individuals. This variant is also known as c.996_997insGC (p.Ser333Alafs*121). This variant disrupts a region of the KCNV2 protein in which other variant(s) (c.1404delC) have been determined to be pathogenic (PMID: 18400204). This suggests that this is a clinically significant region of the protein, and that variants that disrupt it are likely to be disease-causing. For these reasons, this variant has been classified as Pathogenic.

Sharon lab, Hadassah-Hebrew University Medical Center
Classification: Pathogenic for cone dystrophy with supernormal rod electroretinogram. Last evaluated: 2019-06-23. Review status: no assertion criteria provided. Collection method: research. Allele origin: inherited. Affected: yes. Not counted in ClinVar's aggregate classification.

Literature cited by the submitters: PubMed 29210963 (cited by Victorian Clinical Genetics Services, Murdoch Childrens Research Institute and Labcorp Genetics (formerly Invitae), Labcorp); PubMed 23725738 (cited by Victorian Clinical Genetics Services, Murdoch Childrens Research Institute and Labcorp Genetics (formerly Invitae), Labcorp); PubMed 18400204 (cited by Labcorp Genetics (formerly Invitae), Labcorp).

NM_133497.4(KCNV2):c.995_996dup (p.Ser333fs)

Gene: KCNV2 (potassium voltage-gated channel modifier subfamily V member 2; plus strand). Cytogenetic location: 9p24.2.
Variant type: Microsatellite.
Coding change: c.995_996dup on transcript NM_133497.4 (MANE Select); coding-DNA positions 995 to 996, 2 bases duplicated (GC; older notation c.995_996dupGC).
Protein change: p.Ser333fs; shifts the reading frame from serine 333.
Molecular consequence: frameshift variant.
Genome position (GRCh38, 1-based): chr9:2,718,734-2,718,735, GC duplicated; duplicating any 2 consecutive bases within chr9:2,718,729-2,718,735 gives the same sequence; the c. name uses the placement nearest the transcript's 3' end. VCF-style (leftmost placement, unchanged base first): chr9-2718728-T-TCG. GRCh37 (hg19) VCF-style: chr9-2718728-T-TCG.
Other names: short protein forms S333fs.
Identifiers: ClinVar variation 812344 (VCV000812344.9), dbSNP rs986350598, ClinGen allele CA187973592.